The following is an entry in ClinVar:

NM_005591.4(MRE11):c.153A>G (p.Glu51=)

Gene: MRE11 (MRE11 double strand break repair nuclease; minus strand). Cytogenetic location: 11q21.
Variant type: single nucleotide variant.
Coding change: c.153A>G on transcript NM_005591.4 (MANE Select); coding-DNA position 153, A replaced by G.
Protein change: p.Glu51=; no amino-acid change (glutamic acid 51 retained).
Molecular consequence: synonymous variant.
Genome position (GRCh38, 1-based): chr11:94,490,833, T>C on the plus strand (A>G on the coding strand, the complement: MRE11 is on the minus strand). VCF-style: chr11-94490833-T-C. GRCh37 (hg19) VCF-style: chr11-94223999-T-C.
Other names: c.153A>G, p.Glu51= (NM_001330347.2, NM_005590.4).
Identifiers: ClinVar variation 2769994 (VCV002769994.3), dbSNP rs2496652299, ClinGen allele CA476287516.

ClinVar aggregate classification (germline): Uncertain significance (1 of 4 stars; one submission).

Conditions:
Ataxia-telangiectasia-like disorder (ATLD). Identifiers: MedGen C1858391, MONDO:0011457.

Submission:

Labcorp Genetics (formerly Invitae), Labcorp
Classification: Uncertain significance for Ataxia-telangiectasia-like disorder. Last evaluated: 2023-10-18. Review status: criteria provided, single submitter. Criteria: Invitae Variant Classification Sherloc (09022015). Collection method: clinical testing. Allele origin: germline.
Comment: This sequence change affects codon 51 of the MRE11 mRNA. It is a 'silent' change, meaning that it does not change the encoded amino acid sequence of the MRE11 protein. It affects a nucleotide within the consensus splice site. This variant is not present in population databases (gnomAD no frequency). This variant has not been reported in the literature in individuals affected with MRE11-related conditions. Algorithms developed to predict the effect of sequence changes on RNA splicing suggest that this variant is not likely to affect RNA splicing. In summary, the available evidence is currently insufficient to determine the role of this variant in disease. Therefore, it has been classified as a Variant of Uncertain Significance.